The following is an entry in ClinVar:

NM_001082971.2(DDC):c.*23C>A

Gene: DDC (dopa decarboxylase; minus strand). Cytogenetic location: 7p12.2.
Variant type: single nucleotide variant.
Coding change: c.*23C>A on transcript NM_001082971.2 (MANE Select); 23 bases downstream of the stop codon, C replaced by A.
Molecular consequence: 3 prime UTR variant.
Genome position (GRCh38, 1-based): chr7:50,458,839, G>T on the plus strand (C>A on the coding strand, the complement: DDC is on the minus strand). VCF-style: chr7-50458839-G-T. GRCh37 (hg19) VCF-style: chr7-50526537-G-T.
Other names: c.*23C>A (NM_001242886.2, NM_001242887.2, NM_001242888.2 and 2 more transcripts).
Identifiers: ClinVar variation 360428 (VCV000360428.5), dbSNP rs560640944, ClinGen allele CA10626212.

ClinVar aggregate classification (germline): Likely benign (1 of 4 stars; one submission).

Conditions:
Deficiency of aromatic-L-amino-acid decarboxylase. Also called: Aromatic L-Amino Acid Decarboxylase Deficiency; Aromatic amino acid decarboxylase deficiency; AADC DEFICIENCY; DDC DEFICIENCY; DOPA DECARBOXYLASE DEFICIENCY. Identifiers: Orphanet 35708, MedGen C1291564, MONDO:0012084, OMIM 608643.

Allele frequency attached by ClinVar (database versions not stated): gnomAD 0.00001 and 0.00031; TOPMed 0.00006; 1000 Genomes Project 0.00240; 1000 Genomes Project 30x 0.00281.

Submission:

Illumina Laboratory Services, Illumina
Classification: Likely benign for Deficiency of aromatic-L-amino-acid decarboxylase. Last evaluated: 2018-01-13. Review status: criteria provided, single submitter. Criteria: ICSL Variant Classification Criteria 13 December 2019. Collection method: clinical testing. Allele origin: germline.
Comment: This variant was observed in the ICSL laboratory as part of a predisposition screen in an ostensibly healthy population. It had not been previously curated by ICSL or reported in the Human Gene Mutation Database (HGMD: prior to June 1st, 2018), and was therefore a candidate for classification through an automated scoring system. Utilizing variant allele frequency, disease prevalence and penetrance estimates, and inheritance mode, an automated score was calculated to assess if this variant is too frequent to cause the disease. Based on the score and internal cut-off values, a variant classified as likely benign is not then subjected to further curation. The score for this variant resulted in a classification of likely benign for this disease.